The following is an entry in ClinVar:

NM_000548.5(TSC2):c.1689C>T (p.Ala563=)

Gene: TSC2 (TSC complex subunit 2; plus strand). Cytogenetic location: 16p13.3.
Variant type: single nucleotide variant.
Coding change: c.1689C>T on transcript NM_000548.5 (MANE Select); coding-DNA position 1689, C replaced by T.
Protein change: p.Ala563=; no amino-acid change (alanine 563 retained).
Molecular consequence: synonymous variant.
Genome position (GRCh38, 1-based): chr16:2,065,608, C>T. VCF-style: chr16-2065608-C-T. GRCh37 (hg19) VCF-style: chr16-2115609-C-T.
Other names: c.1689C>T, p.Ala563= (NM_001077183.3, NM_001114382.3, NM_001363528.2 and 3 more transcripts); c.1578C>T, p.Ala526= (NM_001318827.2); c.1542C>T, p.Ala514= (NM_001318829.2); c.1089C>T, p.Ala363= (NM_001318831.2); c.1722C>T, p.Ala574= (NM_001318832.2); c.1689C>T (NM_000548.4).
Identifiers: ClinVar variation 486612 (VCV000486612.28), dbSNP rs779858018, ClinGen allele CA032258.

ClinVar aggregate classification (germline): Conflicting classifications of pathogenicity. Review status: criteria provided, conflicting classifications (1 of 4 stars). 10 submissions from 10 submitters: Uncertain significance (1); Benign (1); Likely benign (7). 1 of the submissions does not count toward it. Last evaluated 2025-11-02.

Conditions:
Hereditary cancer-predisposing syndrome. Also called: Tumor predisposition; Neoplastic Syndromes, Hereditary; Hereditary Cancer Syndrome; Hereditary neoplastic syndrome. Identifiers: Orphanet 140162, MedGen C0027672, MeSH D009386, MONDO:0015356.
TSC2-related disorder. Also called: TSC2-Related Disorders; TSC2-related condition.
Tuberous sclerosis syndrome (TSC). Also called: Tuberous Sclerosis Complex; Tuberous sclerosis. Identifiers: Orphanet 805, MedGen C0041341, MONDO:0001734.
Tuberous sclerosis 2 (TSC2). Identifiers: Orphanet 805, MedGen C1860707, MONDO:0013199, OMIM 613254.

Allele frequency attached by ClinVar (database versions not stated): gnomAD 0.00001; gnomAD exomes 0.00002 and 0.00003; TOPMed 0.00002; ExAC 0.00003.
gnomAD v4.1: 55 of 1,613,608 alleles (0.0034%); highest among the groups gnomAD compares: African/African-American, 0.004%; no homozygotes.

Submissions (10):

Labcorp Genetics (formerly Invitae), Labcorp
Classification: Likely benign for Tuberous sclerosis 2. Last evaluated: 2025-11-02. Review status: criteria provided, single submitter. Criteria: Invitae Variant Classification Sherloc (09022015). Collection method: clinical testing. Allele origin: germline.

Myriad Genetics, Inc.
Classification: Benign for Tuberous sclerosis 2. Last evaluated: 2025-05-15. Review status: criteria provided, single submitter. Criteria: Myriad Autosomal Dominant, Autosomal Recessive and X-Linked Classification Criteria (2023). Collection method: clinical testing. Allele origin: unknown.
Comment: This variant is considered benign. This variant is a silent/synonymous amino acid change and it is not expected to impact splicing.

All of Us Research Program, National Institutes of Health
Classification: Likely benign for Tuberous sclerosis syndrome. Last evaluated: 2024-01-11. Review status: criteria provided, single submitter. Criteria: ACMG Guidelines, 2015. Collection method: clinical testing. Allele origin: germline. Inheritance: Autosomal dominant inheritance. Observed: 13 variant alleles, 13 heterozygotes.
Comment: This study involves interpretation of variants in research participants for the purpose of population health screening. Participant phenotype was not available at the time of variant classification. Additional details can be found in publication PMID: 35346344, PMCID: PMC8962531

Color Diagnostics, LLC DBA Color Health
Classification: Likely benign for Tuberous sclerosis syndrome. Last evaluated: 2022-09-21. Review status: criteria provided, single submitter. Criteria: ACMG Guidelines, 2015. Collection method: clinical testing. Allele origin: germline.

Sema4
Classification: Likely benign for Hereditary cancer-predisposing syndrome. Last evaluated: 2022-03-16. Review status: criteria provided, single submitter. Criteria: Sema4 Curation Guidelines. Collection method: curation. Allele origin: germline.

Genome-Nilou Lab
Classification: Likely benign for Tuberous sclerosis 2. Last evaluated: 2021-11-07. Review status: criteria provided, single submitter. Criteria: ACMG Guidelines, 2015. Collection method: clinical testing. Allele origin: germline. Affected: no.

Mendelics
Classification: Likely benign for Tuberous sclerosis 2. Last evaluated: 2019-05-28. Review status: criteria provided, single submitter. Criteria: Mendelics Assertion Criteria 2017. Collection method: clinical testing. Allele origin: unknown.

Illumina Laboratory Services, Illumina
Classification: Uncertain significance for Tuberous sclerosis syndrome. Last evaluated: 2018-01-13. Review status: criteria provided, single submitter. Criteria: ICSL Variant Classification Criteria 13 December 2019. Collection method: clinical testing. Allele origin: germline.

Ambry Genetics
Classification: Likely benign for Hereditary cancer-predisposing syndrome. Last evaluated: 2016-07-29. Review status: criteria provided, single submitter. Criteria: Ambry Variant Classification Scheme 2023. Collection method: clinical testing. Allele origin: germline.

PreventionGenetics, part of Exact Sciences
Classification: Likely benign for TSC2-related condition. Last evaluated: 2023-02-26. Review status: no assertion criteria provided. Collection method: clinical testing. Allele origin: germline. Not counted in ClinVar's aggregate classification.
Comment: This variant is classified as likely benign based on ACMG/AMP sequence variant interpretation guidelines (Richards et al. 2015 PMID: 25741868, with internal and published modifications).